The following is an entry in ClinVar:

NM_000789.4(ACE):c.2716A>G (p.Thr906Ala)

Gene: ACE (angiotensin I converting enzyme; plus strand). Cytogenetic location: 17q23.3.
Variant type: single nucleotide variant.
Coding change: c.2716A>G on transcript NM_000789.4 (MANE Select); coding-DNA position 2716, A replaced by G.
Protein change: p.Thr906Ala; replaces threonine 906 with alanine.
Molecular consequence: missense variant. On other transcripts: non-coding transcript variant (1).
Genome position (GRCh38, 1-based): chr17:63,491,028, A>G. VCF-style: chr17-63491028-A-G. GRCh37 (hg19) VCF-style: chr17-61568389-A-G.
Other names: c.994A>G, p.Thr332Ala (NM_001178057.2, NM_152830.3); c.2149A>G, p.Thr717Ala (NM_001382700.1); c.1864A>G, p.Thr622Ala (NM_001382701.1); c.454A>G, p.Thr152Ala (NM_001382702.1); short protein forms T622A, T152A, T906A, T332A, T717A.
Identifiers: ClinVar variation 1924756 (VCV001924756.5), dbSNP rs1274588146, ClinGen allele CA400559759.

ClinVar aggregate classification (germline): Uncertain significance (1 of 4 stars; one submission).

Allele frequency attached by ClinVar (database versions not stated): gnomAD exomes below 0.00001; TOPMed below 0.00001; gnomAD 0.00001.
gnomAD v4.1: 5 of 1,614,068 alleles (0.00031%); highest among the groups gnomAD compares: Non-Finnish European, 0.00042%; no homozygotes.

Submission:

Labcorp Genetics (formerly Invitae), Labcorp
Classification: Uncertain significance. Last evaluated: 2025-07-21. Review status: criteria provided, single submitter. Criteria: Invitae Variant Classification Sherloc (09022015). Collection method: clinical testing. Allele origin: germline.
Comment: This sequence change replaces threonine, which is neutral and polar, with alanine, which is neutral and non-polar, at codon 906 of the ACE protein (p.Thr906Ala). This variant is present in population databases (no rsID available, gnomAD 0.0009%). This variant has not been reported in the literature in individuals affected with ACE-related conditions. ClinVar contains an entry for this variant (Variation ID: 1924756). Invitae Evidence Modeling of protein sequence and biophysical properties (such as structural, functional, and spatial information, amino acid conservation, physicochemical variation, residue mobility, and thermodynamic stability) indicates that this missense variant is not expected to disrupt ACE protein function with a negative predictive value of 80%. In summary, the available evidence is currently insufficient to determine the role of this variant in disease. Therefore, it has been classified as a Variant of Uncertain Significance.